The following is an entry in ClinVar:

NM_000064.4(C3):c.4030-4C>T

Gene: C3 (complement C3; minus strand). Cytogenetic location: 19p13.3.
Variant type: single nucleotide variant.
Coding change: c.4030-4C>T on transcript NM_000064.4 (MANE Select); 4 bases into the intron before coding-DNA position 4030, C replaced by T.
Molecular consequence: intron variant.
Genome position (GRCh38, 1-based): chr19:6,684,654, G>A on the plus strand (C>T on the coding strand, the complement: C3 is on the minus strand). VCF-style: chr19-6684654-G-A. GRCh37 (hg19) VCF-style: chr19-6684665-G-A.
Other names: c.4030-4C>T (LRG_27t1).
Identifiers: ClinVar variation 330288 (VCV000330288.17), dbSNP rs372612816, ClinGen allele CA9128539.
Genomic context (GRCh38, chr19:6,684,654, plus strand): 5'-GTCGAATTTATTACAGGTGAGTTGATCTTTGGCCTTAGCATGGTACATTGTCACCACCTG[G>A]TAAGATGGGAGAGGAGACACAATGTCAGCCCACAGGACTAGGACTGCTGGGGACAAGAGG-3'

ClinVar aggregate classification (germline): Conflicting classifications of pathogenicity. Review status: criteria provided, conflicting classifications (1 of 4 stars). 8 submissions from 6 submitters: Uncertain significance (3); Benign (1); Likely benign (4). Last evaluated 2025-09-30.

Conditions:
Atypical hemolytic-uremic syndrome. Identifiers: Orphanet 2134, MedGen C2931788, MONDO:0016244.
Age related macular degeneration 9. Identifiers: MedGen C1969651, MONDO:0012659, OMIM 611378.
Complement component 3 deficiency. Identifiers: Orphanet 280133, MedGen C3151071, MONDO:0013417, OMIM 613779.
Atypical hemolytic-uremic syndrome with C3 anomaly. Also called: AHUS, SUSCEPTIBILITY TO, 5. Identifiers: Orphanet 2134, MedGen C2752037, MONDO:0013043, OMIM 612925.

Allele frequency attached by ClinVar (database versions not stated): ESP Exome Variant Server 0.00008; gnomAD 0.00009 and 0.00010; gnomAD exomes 0.00011 and 0.00026; TOPMed 0.00012; ExAC 0.00040.
gnomAD v4.1: 189 of 1,611,740 alleles (0.012%); highest among the groups gnomAD compares: Non-Finnish European, 0.013%; no homozygotes.

Submissions (8):

Genomenon, Inc
Classification: Uncertain significance for Atypical hemolytic-uremic syndrome. Last evaluated: 2025-09-30. Review status: criteria provided, single submitter. Criteria: Genomenon Sequence Variant Interpretation Standards. Collection method: curation. Allele origin: germline. Affected: yes.
Comment: C3 c.4030-4C>T is a splice variant located in the acceptor splice region of intron 31. This variant has been observed in at least one proband affected with atypical hemolytic-uremic syndrome (PMID:33609329). It is absent or not present at a significant frequency in gnomAD. In silico models agree that this variant is not damaging. In conclusion, we classify C3 c.4030-4C>T as a variant of unknown significance.

Labcorp Genetics (formerly Invitae), Labcorp
Classification: Likely benign. Last evaluated: 2025-06-14. Review status: criteria provided, single submitter. Criteria: Invitae Variant Classification Sherloc (09022015). Collection method: clinical testing. Allele origin: germline.

Women's Health and Genetics/Laboratory Corporation of America, LabCorp
Classification: Likely benign. Last evaluated: 2025-04-21. Review status: criteria provided, single submitter. Criteria: LabCorp Variant Classification Summary - May 2015. Collection method: clinical testing. Allele origin: germline.
Comment: Variant summary: C3 c.4030-4C>T alters a non-conserved nucleotide located at a position not widely known to affect splicing. Consensus agreement among computation tools predict no significant impact on normal splicing. However, these predictions have yet to be confirmed by functional studies. The variant allele was found at a frequency of 0.00026 in 251494 control chromosomes, predominantly at a frequency of 0.00052 within the Non-Finnish European subpopulation in the gnomAD database. This frequency is not significantly higher than estimated for a pathogenic variant in C3 causing C3 Deficiency (0.00026 vs 0.0011), allowing no conclusion about variant significance. To our knowledge, no occurrence of c.4030-4C>T in individuals affected with C3 Deficiency and no experimental evidence demonstrating its impact on protein function have been reported. ClinVar contains an entry for this variant (Variation ID: 330288). Based on the evidence outlined above, the variant was classified as likely benign.

Laboratory of Genetics, Children's Clinical University Hospital Latvia
Classification: Likely benign. Last evaluated: 2025-02-16. Review status: criteria provided, single submitter. Criteria: ACMG Guidelines, 2015. Collection method: clinical testing. Allele origin: germline. Affected: yes.

Blueprint Genetics
Classification: Likely benign. Last evaluated: 2024-10-02. Review status: criteria provided, single submitter. Criteria: ACMG Guidelines, 2015. Collection method: clinical testing. Allele origin: germline.

Illumina Laboratory Services, Illumina
Classification: Uncertain significance for Complement component 3 deficiency. Last evaluated: 2018-01-13. Review status: criteria provided, single submitter. Criteria: ICSL Variant Classification Criteria 13 December 2019. Collection method: clinical testing. Allele origin: germline.

Illumina Laboratory Services, Illumina
Classification: Benign for Atypical hemolytic-uremic syndrome with C3 anomaly. Last evaluated: 2018-01-13. Review status: criteria provided, single submitter. Criteria: ICSL Variant Classification Criteria 13 December 2019. Collection method: clinical testing. Allele origin: germline.
Comment: This variant was observed in the ICSL laboratory as part of a predisposition screen in an ostensibly healthy population. It had not been previously curated by ICSL or reported in the Human Gene Mutation Database (HGMD: prior to June 1st, 2018), and was therefore a candidate for classification through an automated scoring system. Utilizing variant allele frequency, disease prevalence and penetrance estimates, and inheritance mode, an automated score was calculated to assess if this variant is too frequent to cause the disease. Based on the score and internal cut-off values, a variant classified as benign is not then subjected to further curation. The score for this variant resulted in a classification of benign for this disease.

Illumina Laboratory Services, Illumina
Classification: Uncertain significance for Age related macular degeneration 9. Last evaluated: 2018-01-13. Review status: criteria provided, single submitter. Criteria: ICSL Variant Classification Criteria 13 December 2019. Collection method: clinical testing. Allele origin: germline.

Literature cited by the submitters: PubMed 33609329 (cited by Genomenon, Inc).